The following is an entry in ClinVar:

NM_199242.3(UNC13D):c.2205del (p.Gln736fs)

Gene: UNC13D (unc-13 homolog D; minus strand). Cytogenetic location: 17q25.1.
Variant type: Deletion.
Coding change: c.2205del on transcript NM_199242.3 (MANE Select); coding-DNA position 2205, one base deleted (G; older notation c.2205delG).
Protein change: p.Gln736fs; shifts the reading frame from glutamine 736.
Molecular consequence: frameshift variant.
Genome position (GRCh38, 1-based): chr17:75,834,418, C deleted on the plus strand (G on the coding strand, the reverse complement: UNC13D is on the minus strand); the first of 4 consecutive C bases (chr17:75,834,418-75,834,421); deleting any one gives the same sequence. VCF-style (leftmost placement, unchanged base first): chr17-75834417-GC-G. GRCh37 (hg19) VCF-style: chr17-73830498-GC-G.
Other names: short protein forms Q736fs.
Identifiers: ClinVar variation 3630842 (VCV003630842.3).

ClinVar aggregate classification (germline): Pathogenic/Likely pathogenic. Review status: criteria provided, multiple submitters, no conflicts (2 of 4 stars). 2 submissions from 2 submitters: Pathogenic (1); Likely pathogenic (1). Last evaluated 2024-10-08.

Conditions:
UNC13D-related disorder. Also called: UNC13D-related condition.
Familial hemophagocytic lymphohistiocytosis 3 (FHL3). Also called: UNC13D-Related Familial Hemophagocytic Lymphohistiocytosis (UNC13D-fHLH). Identifiers: Orphanet 540, MedGen C1837174, MONDO:0012146, OMIM 608898.

Submissions (2):

Labcorp Genetics (formerly Invitae), Labcorp
Classification: Pathogenic for Familial hemophagocytic lymphohistiocytosis 3. Last evaluated: 2024-10-08. Review status: criteria provided, single submitter. Criteria: Invitae Variant Classification Sherloc (09022015). Collection method: clinical testing. Allele origin: germline.
Comment: This sequence change creates a premature translational stop signal (p.Gln736Serfs*59) in the UNC13D gene. It is expected to result in an absent or disrupted protein product. Loss-of-function variants in UNC13D are known to be pathogenic (PMID: 14622600). This variant is not present in population databases (gnomAD no frequency). This variant has not been reported in the literature in individuals affected with UNC13D-related conditions. For these reasons, this variant has been classified as Pathogenic.

Blueprint Genetics
Classification: Likely pathogenic for UNC13D-related disorders. Last evaluated: 2024-01-16. Review status: criteria provided, single submitter. Criteria: ACMG Guidelines, 2015. Collection method: clinical testing. Allele origin: germline. Affected: yes. Observed: 1 variant allele.

Literature cited by the submitters: PubMed 14622600 (cited by Labcorp Genetics (formerly Invitae), Labcorp).